The following is an entry in ClinVar:

ClinVar aggregate classification (germline): Uncertain significance (1 of 4 stars; one submission).

gnomAD v4.1: 1 of 1,613,964 alleles (0.000062%); highest among the groups gnomAD compares: Non-Finnish European, 0.000085%; no homozygotes.

Submission:

Labcorp Genetics (formerly Invitae), Labcorp
Classification: Uncertain significance. Last evaluated: 2025-10-26. Review status: criteria provided, single submitter. Criteria: Invitae Variant Classification Sherloc (09022015). Collection method: clinical testing. Allele origin: germline.
Comment: This sequence change replaces histidine, which is basic and polar, with arginine, which is basic and polar, at codon 450 of the KIF2A protein (p.His450Arg). This variant is not present in population databases (gnomAD no frequency). This variant has not been reported in the literature in individuals affected with KIF2A-related conditions. An algorithm developed to predict the effect of missense changes on protein structure and function (PolyPhen-2) suggests that this variant is likely to be disruptive. In summary, the available evidence is currently insufficient to determine the role of this variant in disease. Therefore, it has been classified as a Variant of Uncertain Significance.

NM_001098511.3(KIF2A):c.1349A>G (p.His450Arg)

Gene: KIF2A (kinesin family member 2A; plus strand). Cytogenetic location: 5q12.1.
Variant type: single nucleotide variant.
Coding change: c.1349A>G on transcript NM_001098511.3 (MANE Select); coding-DNA position 1349, A replaced by G.
Protein change: p.His450Arg; replaces histidine 450 with arginine.
Molecular consequence: missense variant.
Genome position (GRCh38, 1-based): chr5:62,363,781, A>G. VCF-style: chr5-62363781-A-G. GRCh37 (hg19) VCF-style: chr5-61659608-A-G.
Other names: c.1268A>G, p.His423Arg (NM_001243952.2); c.1292A>G, p.His431Arg (NM_001243953.2); c.1349A>G, p.His450Arg (NM_004520.5); short protein forms H450R, H423R, H431R.
Identifiers: ClinVar variation 4711787 (VCV004711787.1).